The following is an entry in ClinVar:

ClinVar aggregate classification (germline): Uncertain significance (1 of 4 stars; one submission).

Conditions:
Emery-Dreifuss muscular dystrophy 5, autosomal dominant (EDMD5). Also called: EMERY-DREIFUSS MUSCULAR DYSTROPHY 5. Identifiers: Orphanet 261, MedGen C2751805, MONDO:0013072, OMIM 612999.

Allele frequency attached by ClinVar (database versions not stated): gnomAD exomes below 0.00001 and 0.00001.
gnomAD v4.1: 2 of 1,612,804 alleles (0.00012%); highest among the groups gnomAD compares: Admixed American, 0.0033%; no homozygotes.

Submission:

Labcorp Genetics (formerly Invitae), Labcorp
Classification: Uncertain significance for Emery-Dreifuss muscular dystrophy 5, autosomal dominant. Last evaluated: 2022-08-10. Review status: criteria provided, single submitter. Criteria: Invitae Variant Classification Sherloc (09022015). Collection method: clinical testing. Allele origin: germline.
Comment: This sequence change replaces threonine, which is neutral and polar, with isoleucine, which is neutral and non-polar, at codon 2117 of the SYNE2 protein (p.Thr2117Ile). ClinVar contains an entry for this variant (Variation ID: 1379152). Algorithms developed to predict the effect of missense changes on protein structure and function are either unavailable or do not agree on the potential impact of this missense change (SIFT: "Deleterious"; PolyPhen-2: "Possibly Damaging"; Align-GVGD: "Class C0"). In summary, the available evidence is currently insufficient to determine the role of this variant in disease. Therefore, it has been classified as a Variant of Uncertain Significance. This variant has not been reported in the literature in individuals affected with SYNE2-related conditions. This variant is present in population databases (no rsID available, gnomAD 0.006%).

NM_182914.3(SYNE2):c.6350C>T (p.Thr2117Ile)

Gene: SYNE2 (spectrin repeat containing nuclear envelope protein 2; plus strand). Cytogenetic location: 14q23.2.
Variant type: single nucleotide variant.
Coding change: c.6350C>T on transcript NM_182914.3 (MANE Select); coding-DNA position 6350, C replaced by T.
Protein change: p.Thr2117Ile; replaces threonine 2117 with isoleucine.
Molecular consequence: missense variant.
Genome position (GRCh38, 1-based): chr14:64,026,676, C>T. VCF-style: chr14-64026676-C-T. GRCh37 (hg19) VCF-style: chr14-64493394-C-T.
Other names: c.6350C>T, p.Thr2117Ile (NM_015180.6); short protein forms T2117I.
Identifiers: ClinVar variation 1379152 (VCV001379152.8), dbSNP rs1258717242, ClinGen allele CA389947697.
Genomic context (GRCh38, chr14:64,026,676, plus strand): 5'-TAGAGACCATCATGAAGCAGGCTGAGAGCAGCGAGGCCCCGCTGGTTCAGAAGACCCTCA[C>T]TGACATCAGCAACCAGTGGGACAACACACTCCATTTAGCTAGCACCTACCTAAGGTAAAG-3'
Protein context (NP_878918.2, residues 2107-2127): SEAPLVQKTL[Thr2117Ile]DISNQWDNTL